The following is an entry in ClinVar:

NM_025103.4(IFT74):c.727-5C>T

Gene: IFT74 (intraflagellar transport 74; plus strand). Cytogenetic location: 9p21.2.
Variant type: single nucleotide variant.
Coding change: c.727-5C>T on transcript NM_025103.4 (MANE Select); 5 bases into the intron before coding-DNA position 727, C replaced by T.
Molecular consequence: intron variant.
Genome position (GRCh38, 1-based): chr9:27,011,901, C>T. VCF-style: chr9-27011901-C-T. GRCh37 (hg19) VCF-style: chr9-27011899-C-T.
Other names: c.727-5C>T (NM_001099223.3, NM_001099222.3, NM_001349928.2 and 2 more transcripts).
Identifiers: ClinVar variation 2793022 (VCV002793022.4), dbSNP rs1380982344, ClinGen allele CA587116199.

ClinVar aggregate classification (germline): Likely benign. Review status: criteria provided, multiple submitters, no conflicts (2 of 4 stars). 2 submissions from 2 submitters: Likely benign (2). Last evaluated 2024-10-29.

Conditions:
IFT74-related disorder. Also called: IFT74-Related Disorders; IFT74-related condition.

Allele frequency attached by ClinVar (database versions not stated): TOPMed 0.00001.
gnomAD v4.1: 1 of 1,527,084 alleles (0.000065%); highest among the groups gnomAD compares: Admixed American, 0.0021%; no homozygotes.

Submissions (2):

PreventionGenetics, part of Exact Sciences
Classification: Likely benign for IFT74-related condition. Last evaluated: 2024-10-29. Review status: criteria provided, single submitter. Criteria: ACMG Guidelines, 2015. Collection method: clinical testing. Allele origin: germline.
Comment: This variant is classified as likely benign based on ACMG/AMP sequence variant interpretation guidelines (Richards et al. 2015 PMID: 25741868, with internal and published modifications).

Labcorp Genetics (formerly Invitae), Labcorp
Classification: Likely benign. Last evaluated: 2023-12-04. Review status: criteria provided, single submitter. Criteria: Invitae Variant Classification Sherloc (09022015). Collection method: clinical testing. Allele origin: germline.